The following is an entry in ClinVar:

ClinVar aggregate classification (germline): Uncertain significance (1 of 4 stars; one submission).

Submission:

GeneDx
Classification: Uncertain significance. Last evaluated: 2020-09-21. Review status: criteria provided, single submitter. Criteria: GeneDx Variant Classification Process June 2021. Collection method: clinical testing. Allele origin: germline. Affected: yes.
Comment: Not observed in large population cohorts (Lek et al., 2016); In silico analysis supports that this missense variant has a deleterious effect on protein structure/function; This variant is associated with the following publications: (PMID: 27499327)

NM_001009944.3(PKD1):c.8279T>G (p.Met2760Arg)

Gene: PKD1 (polycystin 1, transient receptor potential channel interacting; minus strand). Cytogenetic location: 16p13.3.
Variant type: single nucleotide variant.
Coding change: c.8279T>G on transcript NM_001009944.3 (MANE Select); coding-DNA position 8279, T replaced by G.
Protein change: p.Met2760Arg; replaces methionine 2760 with arginine.
Molecular consequence: missense variant.
Genome position (GRCh38, 1-based): chr16:2,103,778, A>C on the plus strand (T>G on the coding strand, the complement: PKD1 is on the minus strand). VCF-style: chr16-2103778-A-C. GRCh37 (hg19) VCF-style: chr16-2153779-A-C.
Other names: c.8279T>G, p.Met2760Arg (NM_000296.4); short protein forms M2760R.
Identifiers: ClinVar variation 1303906 (VCV001303906.2), dbSNP rs879809222, ClinGen allele CA394364865.
Genomic context (GRCh38, chr16:2,103,778, plus strand): 5'-TCCTCGCCCGCCAGCGTCAGGGGCTCCTCGTTGAGCACGCGGGAGCGCATGAGGATGCGC[A>C]TGAGGGCAGAGGTCAGGTTGTAGGCCTGGGACGCCACCATCCGAGATGGTGACTCGGCTC-3'
Protein context (NP_001009944.3, residues 2750-2770): SQAYNLTSAL[Met2760Arg]RILMRSRVLN